The following is an entry in ClinVar:

ClinVar aggregate classification (germline): Uncertain significance (1 of 4 stars; one submission).

Conditions:
Spermatogenic failure 18. Identifiers: MedGen C4539783, MONDO:0054615, OMIM 617576.
Ciliary dyskinesia, primary, 37 (CILD37). Also called: CILIARY DYSKINESIA, PRIMARY, 37, WITH OR WITHOUT SITUS INVERSUS. Identifiers: MedGen C4539798, MONDO:0033204, OMIM 617577.

Submission:

Labcorp Genetics (formerly Invitae), Labcorp
Classification: Uncertain significance for Ciliary dyskinesia, primary, 37; Spermatogenic failure 18. Last evaluated: 2021-11-11. Review status: criteria provided, single submitter. Criteria: Invitae Variant Classification Sherloc (09022015). Collection method: clinical testing. Allele origin: germline.
Comment: In summary, the available evidence is currently insufficient to determine the role of this variant in disease. Therefore, it has been classified as a Variant of Uncertain Significance. Algorithms developed to predict the effect of sequence changes on RNA splicing suggest that this variant is not likely to affect RNA splicing. This variant has not been reported in the literature in individuals affected with DNAH1-related conditions. The frequency data for this variant in the population databases is considered unreliable, as metrics indicate poor data quality at this position in the gnomAD database. This sequence change affects codon 2222 of the DNAH1 mRNA. It is a 'silent' change, meaning that it does not change the encoded amino acid sequence of the DNAH1 protein. It affects a nucleotide within the consensus splice site.

NM_015512.5(DNAH1):c.6666C>A (p.Pro2222=)

Gene: DNAH1 (dynein axonemal heavy chain 1; plus strand). Cytogenetic location: 3p21.1.
Variant type: single nucleotide variant.
Coding change: c.6666C>A on transcript NM_015512.5 (MANE Select); coding-DNA position 6666, C replaced by A.
Protein change: p.Pro2222=; no amino-acid change (proline 2222 retained).
Molecular consequence: synonymous variant.
Genome position (GRCh38, 1-based): chr3:52,372,086, C>A. VCF-style: chr3-52372086-C-A. GRCh37 (hg19) VCF-style: chr3-52406102-C-A.
Identifiers: ClinVar variation 1370232 (VCV001370232.6), dbSNP rs766093116, ClinGen allele CA433884365.